The following is an entry in ClinVar:

ClinVar aggregate classification (germline): Uncertain significance (1 of 4 stars; one submission).

gnomAD v4.1: 6 of 1,601,322 alleles (0.00037%); highest among the groups gnomAD compares: Non-Finnish European, 0.00026%; no homozygotes.

Submission:

Labcorp Genetics (formerly Invitae), Labcorp
Classification: Uncertain significance. Last evaluated: 2025-08-27. Review status: criteria provided, single submitter. Criteria: Invitae Variant Classification Sherloc (09022015). Collection method: clinical testing. Allele origin: germline.
Comment: This sequence change replaces serine, which is neutral and polar, with cysteine, which is neutral and slightly polar, at codon 756 of the STAG1 protein (p.Ser756Cys). This variant is present in population databases (rs371711194, gnomAD 0.004%). This variant has not been reported in the literature in individuals affected with STAG1-related conditions. ClinVar contains an entry for this variant (Variation ID: 3675907). Invitae Evidence Modeling of protein sequence and biophysical properties (such as structural, functional, and spatial information, amino acid conservation, physicochemical variation, residue mobility, and thermodynamic stability) indicates that this missense variant is not expected to disrupt STAG1 protein function with a negative predictive value of 80%. In summary, the available evidence is currently insufficient to determine the role of this variant in disease. Therefore, it has been classified as a Variant of Uncertain Significance.

NM_005862.3(STAG1):c.2267C>G (p.Ser756Cys)

Gene: STAG1 (STAG1 cohesin complex component; minus strand). Cytogenetic location: 3q22.3.
Variant type: single nucleotide variant.
Coding change: c.2267C>G on transcript NM_005862.3 (MANE Select); coding-DNA position 2267, C replaced by G.
Protein change: p.Ser756Cys; replaces serine 756 with cysteine.
Molecular consequence: missense variant.
Genome position (GRCh38, 1-based): chr3:136,398,759, G>C on the plus strand (C>G on the coding strand, the complement: STAG1 is on the minus strand). VCF-style: chr3-136398759-G-C. GRCh37 (hg19) VCF-style: chr3-136117601-G-C.
Other names: short protein forms S756C.
Identifiers: ClinVar variation 3675907 (VCV003675907.2).
Genomic context (GRCh38, chr3:136,398,759, plus strand): 5'-AGGTTATTATTTCAGTAATAACCCTTCTGCCTACAGAAACTCTTACTTACTTTGGAAGGA[G>C]AGCCATCAGTAATTTTCACCAACTGCCAAAGAATCGAATAATGGGAACACTGCAGTGCTT-3'
Protein context (NP_005853.2, residues 746-766): LWQLVKITDG[Ser756Cys]PSKEDLLVLR